The following is an entry in ClinVar:

ClinVar aggregate classification (germline): Uncertain significance. Review status: criteria provided, multiple submitters, no conflicts (2 of 4 stars). 5 submissions from 5 submitters: Uncertain significance (5). Last evaluated 2025-12-24.

Conditions:
Gastrointestinal stromal tumor. Also called: Gastrointestinal stromal tumor, somatic; Gastrointestinal stroma tumor. Identifiers: Orphanet 44890, MedGen C0238198, MeSH D046152, MONDO:0011719, OMIM 606764, HP:0100723.
Hereditary cancer-predisposing syndrome. Also called: Tumor predisposition; Neoplastic Syndromes, Hereditary; Hereditary neoplastic syndrome; Hereditary Cancer Syndrome. Identifiers: Orphanet 140162, MedGen C0027672, MeSH D009386, MONDO:0015356.
Pheochromocytoma. Also called: MAX-Related Hereditary Paraganglioma-Pheochromocytoma Syndrome. Identifiers: Orphanet 29072, MedGen C0031511, MONDO:0008233, OMIM 171300, HP:0002666.
Pheochromocytoma/paraganglioma syndrome 4. Also called: CAROTID BODY TUMORS AND MULTIPLE EXTRAADRENAL PHEOCHROMOCYTOMAS; SDHB-Related Hereditary Paraganglioma-Pheochromocytoma Syndrome (Paragangliomas 4); Paragangliomas 4; SDHB-Related Hereditary Paraganglioma-Pheochromocytoma Syndrome; PARAGANGLIOMA, FAMILIAL MALIGNANT; PARAGANGLIOMAS, HEREDITARY EXTRAADRENAL. Identifiers: Orphanet 29072, MedGen C1861848, MONDO:0007273, OMIM 115310.
Hereditary pheochromocytoma and paraganglioma. Also called: Hereditary paragangliomas and pheochromocytomas; Hereditary Paraganglioma-Pheochromocytoma Syndromes; Hereditary pheochromocytoma-paraganglioma. Identifiers: Orphanet 29072, MedGen C4274332, MONDO:0017366.

Allele frequency attached by ClinVar (database versions not stated): gnomAD exomes below 0.00001; gnomAD 0.00001; ExAC 0.00002.
gnomAD v4.1: 3 of 1,610,806 alleles (0.00019%); highest among the groups gnomAD compares: African/African-American, 0.0013%; no homozygotes.

Submissions (5):

Labcorp Genetics (formerly Invitae), Labcorp
Classification: Uncertain significance for Gastrointestinal stromal tumor; Pheochromocytoma/paraganglioma syndrome 4; Pheochromocytoma. Last evaluated: 2025-12-24. Review status: criteria provided, single submitter. Criteria: Invitae Variant Classification Sherloc (09022015). Collection method: clinical testing. Allele origin: germline.
Comment: This sequence change replaces alanine, which is neutral and non-polar, with threonine, which is neutral and polar, at codon 3 of the SDHB protein (p.Ala3Thr). The frequency data for this variant in the population databases is considered unreliable, as metrics indicate poor data quality at this position in the gnomAD database. This variant has not been reported in the literature in individuals affected with SDHB-related conditions. ClinVar contains an entry for this variant (Variation ID: 1051700). Invitae Evidence Modeling of protein sequence and biophysical properties (such as structural, functional, and spatial information, amino acid conservation, physicochemical variation, residue mobility, and thermodynamic stability) has been performed for this missense variant. However, the output from this modeling did not meet the statistical confidence thresholds required to predict the impact of this variant on SDHB protein function. In summary, the available evidence is currently insufficient to determine the role of this variant in disease. Therefore, it has been classified as a Variant of Uncertain Significance.

Ambry Genetics
Classification: Uncertain significance for Hereditary cancer-predisposing syndrome. Last evaluated: 2025-03-29. Review status: criteria provided, single submitter. Criteria: Ambry Variant Classification Scheme 2023. Collection method: clinical testing. Allele origin: germline.
Comment: The p.A3T variant (also known as c.7G>A), located in coding exon 1 of the SDHB gene, results from a G to A substitution at nucleotide position 7. The alanine at codon 3 is replaced by threonine, an amino acid with similar properties. This amino acid position is conserved. In addition, the in silico prediction for this alteration is inconclusive. Since supporting evidence is limited at this time, the clinical significance of this alteration remains unclear.

All of Us Research Program, National Institutes of Health
Classification: Uncertain significance for Hereditary pheochromocytoma and paraganglioma. Last evaluated: 2024-07-29. Review status: criteria provided, single submitter. Criteria: ACMG Guidelines, 2015. Collection method: clinical testing. Allele origin: germline. Inheritance: Autosomal dominant inheritance. Observed: 1 variant allele, 1 heterozygote.
Comment: This missense variant replaces alanine with threonine at codon 3 of the SDHB protein. Computational prediction is inconclusive regarding the impact of this variant on protein structure and function (internally defined REVEL score threshold 0.5 < inconclusive < 0.7, PMID: 27666373). To our knowledge, functional studies have not been reported for this variant. This variant has not been reported in individuals affected with SDHB-related disorders in the literature. This variant has been identified in 1/241752 chromosomes in the general population by the Genome Aggregation Database (gnomAD). The available evidence is insufficient to determine the role of this variant in disease conclusively. Therefore, this variant is classified as a Variant of Uncertain Significance.

This study involves interpretation of variants in research participants for the purpose of population health screening. Participant phenotype was not available at the time of variant classification. Additional details can be found in publication PMID: 35346344, PMCID: PMC8962531

Quest Diagnostics Nichols Institute San Juan Capistrano
Classification: Uncertain significance. Last evaluated: 2024-06-19. Review status: criteria provided, single submitter. Criteria: Quest Diagnostics criteria. Collection method: clinical testing. Allele origin: unknown.

Baylor Genetics
Classification: Uncertain significance for Gastrointestinal stromal tumor. Last evaluated: 2023-08-31. Review status: criteria provided, single submitter. Criteria: ACMG Guidelines, 2015. Collection method: clinical testing. Allele origin: unknown.

NM_003000.3(SDHB):c.7G>A (p.Ala3Thr)

Gene: SDHB (succinate dehydrogenase complex iron sulfur subunit B; minus strand). Cytogenetic location: 1p36.13.
Variant type: single nucleotide variant.
Coding change: c.7G>A on transcript NM_003000.3 (MANE Select); coding-DNA position 7, G replaced by A.
Protein change: p.Ala3Thr; replaces alanine 3 with threonine.
Molecular consequence: missense variant.
Genome position (GRCh38, 1-based): chr1:17,054,013, C>T on the plus strand (G>A on the coding strand, the complement: SDHB is on the minus strand). VCF-style: chr1-17054013-C-T. GRCh37 (hg19) VCF-style: chr1-17380508-C-T.
Other names: c.7G>A (NM_003000.2); short protein forms A3T.
Identifiers: ClinVar variation 1051700 (VCV001051700.11), dbSNP rs765429934, ClinGen allele CA089768.